The following is an entry in ClinVar:

ClinVar aggregate classification (germline): Likely pathogenic (1 of 4 stars; one submission).

Conditions:
Creatine transporter deficiency (CCDS1). Also called: CEREBRAL CREATINE DEFICIENCY SYNDROME 1; Mental retardation , X-linked with seizures, short stature and midface hypoplasia; Mental retardation , X-linked, with creatine transport deficiency; X-linked creatine transporter deficiency; X-linked creatine deficiency syndrome; SLC6A8-Related Creatine Transporter Deficiency. Identifiers: Orphanet 52503, MedGen C1845862, MONDO:0010305, OMIM 300352.

Submission:

Institute of Human Genetics, University of Leipzig Medical Center
Classification: Likely pathogenic for Creatine transporter deficiency. Last evaluated: 2026-03-17. Review status: criteria provided, single submitter. Criteria: ACMG Guidelines, 2015. Collection method: clinical testing. Allele origin: unknown. Inheritance: X-linked recessive inheritance. Affected: yes.
Comment: Criteria applied: PVS1,PM2_SUP

NM_005629.4(SLC6A8):c.1665G>A (p.Trp555Ter)

Gene: SLC6A8 (solute carrier family 6 member 8; plus strand). Cytogenetic location: Xq28.
Variant type: single nucleotide variant.
Coding change: c.1665G>A on transcript NM_005629.4 (MANE Select); coding-DNA position 1665, G replaced by A.
Protein change: p.Trp555Ter; replaces tryptophan 555 with a stop codon.
Molecular consequence: nonsense.
Genome position (GRCh38, 1-based): chrX:153,694,787, G>A. VCF-style: chrX-153694787-G-A. GRCh37 (hg19) VCF-style: chrX-152960242-G-A.
Other names: c.1635G>A, p.Trp545Ter (NM_001142805.2); c.1320G>A, p.Trp440Ter (NM_001142806.1); short protein forms W440*, W545*, W555*.
Identifiers: ClinVar variation 4845395 (VCV004845395.1).